The following is an entry in ClinVar:

ClinVar aggregate classification (germline): Pathogenic (1 of 4 stars; one submission).

Submission:

Labcorp Genetics (formerly Invitae), Labcorp
Classification: Pathogenic. Last evaluated: 2023-01-20. Review status: criteria provided, single submitter. Criteria: Invitae Variant Classification Sherloc (09022015). Collection method: clinical testing. Allele origin: germline.
Comment: This variant is not present in population databases (gnomAD no frequency). This variant has not been reported in the literature in individuals affected with SETD5-related conditions. For these reasons, this variant has been classified as Pathogenic. This sequence change creates a premature translational stop signal (p.Asn709Lysfs*2) in the SETD5 gene. It is expected to result in an absent or disrupted protein product. Loss-of-function variants in SETD5 are known to be pathogenic (PMID: 24680889).

Literature cited by the submitters: PubMed 24680889.

NM_001080517.3(SETD5):c.2126dup (p.Asn709fs)

Gene: SETD5 (SET domain containing 5; plus strand). Cytogenetic location: 3p25.3.
Variant type: Duplication.
Coding change: c.2126dup on transcript NM_001080517.3 (MANE Select); coding-DNA position 2126, one base duplicated (A; older notation c.2126dupA).
Protein change: p.Asn709fs; shifts the reading frame from asparagine 709.
Molecular consequence: frameshift variant.
Genome position (GRCh38, 1-based): chr3:9,448,410, A duplicated; the last of 2 consecutive A bases (chr3:9,448,409-9,448,410); duplicating either gives the same sequence. VCF-style (leftmost placement, unchanged base first): chr3-9448408-G-GA. GRCh37 (hg19) VCF-style: chr3-9490092-G-GA.
Other names: c.1832dup, p.Asn611fs (NM_001292043.2, NM_001349451.2); short protein forms N611fs, N709fs.
Identifiers: ClinVar variation 2830583 (VCV002830583.3), dbSNP rs2472996722, ClinGen allele CA2739279398.